The following is an entry in ClinVar:

ClinVar aggregate classification (germline): Uncertain significance (1 of 4 stars; one submission).

Conditions:
Inborn genetic diseases. Identifiers: MedGen C0950123, MeSH D030342.

gnomAD v4.1: 2 of 1,527,398 alleles (0.00013%); highest among the groups gnomAD compares: African/African-American, 0.0014%; no homozygotes.

Submission:

Ambry Genetics
Classification: Uncertain significance for Inborn genetic diseases. Last evaluated: 2026-04-25. Review status: criteria provided, single submitter. Criteria: Ambry Variant Classification Scheme 2023. Collection method: clinical testing. Allele origin: germline.
Comment: The p.A56T variant (also known as c.166G>A), located in coding exon 1 of the SH2B3 gene, results from a G to A substitution at nucleotide position 166. The alanine at codon 56 is replaced by threonine, an amino acid with similar properties. This amino acid position is conserved. In addition, this alteration is predicted to be tolerated by in silico analysis. Based on the available evidence, the clinical significance of this variant remains unclear.

NM_005475.3(SH2B3):c.166G>A (p.Ala56Thr)

Gene: SH2B3 (SH2B adaptor protein 3; plus strand). Cytogenetic location: 12q24.12.
Variant type: single nucleotide variant.
Coding change: c.166G>A on transcript NM_005475.3 (MANE Select); coding-DNA position 166, G replaced by A.
Protein change: p.Ala56Thr; replaces alanine 56 with threonine.
Molecular consequence: missense variant.
Genome position (GRCh38, 1-based): chr12:111,418,311, G>A. VCF-style: chr12-111418311-G-A. GRCh37 (hg19) VCF-style: chr12-111856115-G-A.
Other names: short protein forms A56T.
Identifiers: ClinVar variation 4864431 (VCV004864431.1).